The following is an entry in ClinVar:

ClinVar aggregate classification (germline): Pathogenic (1 of 4 stars; one submission).

Allele frequency attached by ClinVar (database versions not stated): gnomAD 0.00001.

Submission:

Labcorp Genetics (formerly Invitae), Labcorp
Classification: Pathogenic. Last evaluated: 2026-01-19. Review status: criteria provided, single submitter. Criteria: Invitae Variant Classification Sherloc (09022015). Collection method: clinical testing. Allele origin: germline.
Comment: This sequence change replaces aspartic acid, which is acidic and polar, with asparagine, which is neutral and polar, at codon 490 of the TGM1 protein (p.Asp490Asn). The frequency data for this variant in the population databases is considered unreliable, as metrics indicate poor data quality at this position in the gnomAD database. This missense change has been observed in individual(s) with clinical features of congenital ichthyosis (internal data). ClinVar contains an entry for this variant (Variation ID: 2899841). Invitae Evidence Modeling of protein sequence and biophysical properties (such as structural, functional, and spatial information, amino acid conservation, physicochemical variation, residue mobility, and thermodynamic stability) indicates that this missense variant is expected to disrupt TGM1 protein function with a positive predictive value of 95%. This variant disrupts the p.Asp490 amino acid residue in TGM1. Other variant(s) that disrupt this residue have been determined to be pathogenic (PMID: 12542526). This suggests that this residue is clinically significant, and that variants that disrupt this residue are likely to be disease-causing. For these reasons, this variant has been classified as Pathogenic.

Literature cited by the submitters: PubMed 12542526.

NM_000359.3(TGM1):c.1468G>A (p.Asp490Asn)

Gene: TGM1 (transglutaminase 1; minus strand). Cytogenetic location: 14q12.
Variant type: single nucleotide variant.
Coding change: c.1468G>A on transcript NM_000359.3 (MANE Select); coding-DNA position 1468, G replaced by A.
Protein change: p.Asp490Asn; replaces aspartic acid 490 with asparagine.
Molecular consequence: missense variant.
Genome position (GRCh38, 1-based): chr14:24,256,012, C>T on the plus strand (G>A on the coding strand, the complement: TGM1 is on the minus strand). VCF-style: chr14-24256012-C-T. GRCh37 (hg19) VCF-style: chr14-24725218-C-T.
Other names: short protein forms D490N.
Identifiers: ClinVar variation 2899841 (VCV002899841.3), dbSNP rs866229566, ClinGen allele CA389255943.